The following is an entry in ClinVar:

NM_001017995.3(SH3PXD2B):c.1638G>A (p.Thr546=)

Gene: SH3PXD2B (SH3 and PX domains 2B; minus strand). Cytogenetic location: 5q35.1.
Variant type: single nucleotide variant.
Coding change: c.1638G>A on transcript NM_001017995.3 (MANE Select); coding-DNA position 1638, G replaced by A.
Protein change: p.Thr546=; no amino-acid change (threonine 546 retained).
Molecular consequence: synonymous variant. On other transcripts: intron variant (1).
Genome position (GRCh38, 1-based): chr5:172,339,467, C>T on the plus strand (G>A on the coding strand, the complement: SH3PXD2B is on the minus strand). VCF-style: chr5-172339467-C-T. GRCh37 (hg19) VCF-style: chr5-171766471-C-T.
Other names: c.1188+6669G>A (NM_001308175.2).
Identifiers: ClinVar variation 352808 (VCV000352808.16), dbSNP rs73317800, ClinGen allele CA3561135.

ClinVar aggregate classification (germline): Benign/Likely benign. Review status: criteria provided, multiple submitters, no conflicts (2 of 4 stars). 3 submissions from 3 submitters: Benign (2); Likely benign (1). Last evaluated 2026-01-27.

Conditions:
Frank-Ter Haar syndrome. Also called: Borrone di Rocco Crovato syndrome; TER HAAR SYNDROME; MELNICK-NEEDLES SYNDROME, AUTOSOMAL RECESSIVE; BORRONE DERMATOCARDIOSKELETAL SYNDROME. Identifiers: Orphanet 1266, Orphanet 137834, MedGen C1855305, MONDO:0009579, OMIM 249420.

Allele frequency attached by ClinVar (database versions not stated): ExAC 0.00126; gnomAD 0.00411; ESP Exome Variant Server 0.00500; TOPMed 0.00515; 1000 Genomes Project 0.00579; 1000 Genomes Project 30x 0.00656.
gnomAD v4.1: 1,268 of 1,613,780 alleles (0.079%); highest among the groups gnomAD compares: African/African-American, 1.5%; 12 homozygotes.

Submissions (3):

Labcorp Genetics (formerly Invitae), Labcorp
Classification: Benign. Last evaluated: 2026-01-27. Review status: criteria provided, single submitter. Criteria: Invitae Variant Classification Sherloc (09022015). Collection method: clinical testing. Allele origin: germline.

GeneDx
Classification: Likely benign. Last evaluated: 2021-03-11. Review status: criteria provided, single submitter. Criteria: GeneDx Variant Classification Process June 2021. Collection method: clinical testing. Allele origin: germline. Affected: yes.

Illumina Laboratory Services, Illumina
Classification: Benign for Frank-Ter Haar syndrome. Last evaluated: 2018-01-12. Review status: criteria provided, single submitter. Criteria: ICSL Variant Classification Criteria 13 December 2019. Collection method: clinical testing. Allele origin: germline.
Comment: This variant was observed in the ICSL laboratory as part of a predisposition screen in an ostensibly healthy population. It had not been previously curated by ICSL or reported in the Human Gene Mutation Database (HGMD: prior to June 1st, 2018), and was therefore a candidate for classification through an automated scoring system. Utilizing variant allele frequency, disease prevalence and penetrance estimates, and inheritance mode, an automated score was calculated to assess if this variant is too frequent to cause the disease. Based on the score and internal cut-off values, a variant classified as benign is not then subjected to further curation. The score for this variant resulted in a classification of benign for this disease.